The following is an entry in ClinVar:

NM_012108.4(STAP1):c.173C>T (p.Thr58Ile)

Gene: STAP1 (signal transducing adaptor family member 1; plus strand). Cytogenetic location: 4q13.2.
Variant type: single nucleotide variant.
Coding change: c.173C>T on transcript NM_012108.4 (MANE Select); coding-DNA position 173, C replaced by T.
Protein change: p.Thr58Ile; replaces threonine 58 with isoleucine.
Molecular consequence: missense variant.
Genome position (GRCh38, 1-based): chr4:67,571,136, C>T. VCF-style: chr4-67571136-C-T. GRCh37 (hg19) VCF-style: chr4-68436854-C-T.
Other names: c.173C>T, p.Thr58Ile (NM_001317769.2); short protein forms T58I.
Identifiers: ClinVar variation 2448577 (VCV002448577.3), dbSNP rs201666437, ClinGen allele CA2937460.
Genomic context (GRCh38, chr4:67,571,136, plus strand): 5'-TCCCACAGGAGTATGAGCATTACTGGACAGAGTTGAGAGGAACTACTCTTTTCTTTTATA[C>T]CGACAAAAAGAGTATAATAGTAAGTAAATATGTTGAGCTGATTCCATTGTTTCCCAATAT-3'
Protein context (NP_036240.1, residues 48-68): ELRGTTLFFY[Thr58Ile]DKKSIIYVDK

ClinVar aggregate classification (germline): Uncertain significance (1 of 4 stars; one submission).

Allele frequency attached by ClinVar (database versions not stated): gnomAD exomes 0.00001; ExAC 0.00002; gnomAD 0.00005.
gnomAD v4.1: 26 of 1,609,118 alleles (0.0016%); highest among the groups gnomAD compares: Non-Finnish European, 0.00085%; no homozygotes.

Submission:

Ambry Genetics
Classification: Uncertain significance. Last evaluated: 2025-10-05. Review status: criteria provided, single submitter. Criteria: Ambry Variant Classification Scheme 2023. Collection method: clinical testing. Allele origin: germline.
Comment: The p.T58I variant (also known as c.173C>T), located in coding exon 2 of the STAP1 gene, results from a C to T substitution at nucleotide position 173. The threonine at codon 58 is replaced by isoleucine, an amino acid with similar properties. This amino acid position is conserved. In addition, this alteration is predicted to be tolerated by in silico analysis. Since supporting evidence is limited at this time, the clinical significance of this alteration remains unclear.